The following is an entry in ClinVar:

ClinVar aggregate classification (germline): Uncertain significance (1 of 4 stars; one submission).

Conditions:
Hereditary spastic paraplegia 4. Also called: Spastic Paraplegia 4; Spastic paraplegia 4, autosomal dominant; Familial spastic paraplegia autosomal dominant 2. Identifiers: Orphanet 100985, MedGen C1866855, MONDO:0008438, OMIM 182601.

Allele frequency attached by ClinVar (database versions not stated): TOPMed below 0.00001.
gnomAD v4.1: 14 of 1,550,080 alleles (0.0009%); highest among the groups gnomAD compares: Non-Finnish European, 0.0012%; no homozygotes.

Submission:

Labcorp Genetics (formerly Invitae), Labcorp
Classification: Uncertain significance for Hereditary spastic paraplegia 4. Last evaluated: 2022-06-20. Review status: criteria provided, single submitter. Criteria: Invitae Variant Classification Sherloc (09022015). Collection method: clinical testing. Allele origin: germline.
Comment: This sequence change replaces tyrosine, which is neutral and polar, with phenylalanine, which is neutral and non-polar, at codon 126 of the SPAST protein (p.Tyr126Phe). This variant is present in population databases (no rsID available, gnomAD 0.007%). This variant has not been reported in the literature in individuals affected with SPAST-related conditions. Advanced modeling of protein sequence and biophysical properties (such as structural, functional, and spatial information, amino acid conservation, physicochemical variation, residue mobility, and thermodynamic stability) performed at Invitae indicates that this missense variant is not expected to disrupt SPAST protein function. In summary, the available evidence is currently insufficient to determine the role of this variant in disease. Therefore, it has been classified as a Variant of Uncertain Significance.

NM_014946.4(SPAST):c.377A>T (p.Tyr126Phe)

Gene: SPAST (spastin; plus strand). Cytogenetic location: 2p22.3.
Variant type: single nucleotide variant.
Coding change: c.377A>T on transcript NM_014946.4 (MANE Select); coding-DNA position 377, A replaced by T.
Protein change: p.Tyr126Phe; replaces tyrosine 126 with phenylalanine.
Molecular consequence: missense variant.
Genome position (GRCh38, 1-based): chr2:32,064,208, A>T. VCF-style: chr2-32064208-A-T. GRCh37 (hg19) VCF-style: chr2-32289277-A-T.
Other names: c.377A>T, p.Tyr126Phe (NM_001363823.2, NM_001363875.2, NM_001377959.1 and 1 more transcripts); short protein forms Y126F.
Identifiers: ClinVar variation 1416143 (VCV001416143.8), dbSNP rs781065348, ClinGen allele CA346602434.